The following is an entry in ClinVar:

ClinVar aggregate classification (germline): Uncertain significance (1 of 4 stars; one submission).

Conditions:
Renal cell carcinoma. Identifiers: Orphanet 217071, MedGen C0007134, MeSH D002292, MONDO:0005086, HP:0005584.

Submission:

Labcorp Genetics (formerly Invitae), Labcorp
Classification: Uncertain significance for Renal cell carcinoma. Last evaluated: 2021-07-07. Review status: criteria provided, single submitter. Criteria: Invitae Variant Classification Sherloc (09022015). Collection method: clinical testing. Allele origin: germline.
Comment: This sequence change replaces serine with proline at codon 1061 of the MET protein (p.Ser1061Pro). The serine residue is moderately conserved and there is a moderate physicochemical difference between serine and proline. In summary, the available evidence is currently insufficient to determine the role of this variant in disease. Therefore, it has been classified as a Variant of Uncertain Significance. Algorithms developed to predict the effect of missense changes on protein structure and function are either unavailable or do not agree on the potential impact of this missense change (SIFT: "Tolerated"; PolyPhen-2: "Probably Damaging"; Align-GVGD: "Class C0"). This variant has not been reported in the literature in individuals affected with MET-related conditions. This variant is not present in population databases (ExAC no frequency).

NM_000245.4(MET):c.3127T>C (p.Ser1043Pro)

Gene: MET (MET proto-oncogene, receptor tyrosine kinase; plus strand). Cytogenetic location: 7q31.2.
Variant type: single nucleotide variant.
Coding change: c.3127T>C on transcript NM_000245.4 (MANE Select); coding-DNA position 3127, T replaced by C.
Protein change: p.Ser1043Pro; replaces serine 1043 with proline.
Molecular consequence: missense variant.
Genome position (GRCh38, 1-based): chr7:116,774,979, T>C. VCF-style: chr7-116774979-T-C. GRCh37 (hg19) VCF-style: chr7-116415033-T-C.
Other names: c.3181T>C, p.Ser1061Pro (NM_001127500.3); c.1837T>C, p.Ser613Pro (NM_001324402.2); short protein forms S1061P, S613P, S1043P.
Identifiers: ClinVar variation 1403824 (VCV001403824.8), dbSNP rs2117030729, ClinGen allele CA368988243.